The following is an entry in ClinVar:

ClinVar aggregate classification (germline): Uncertain significance (1 of 4 stars; one submission).

Conditions:
Left ventricular noncompaction 8 (LVNC8). Identifiers: Orphanet 154, Orphanet 54260, MedGen C3809288, MONDO:0014152, OMIM 615373.

Submission:

Labcorp Genetics (formerly Invitae), Labcorp
Classification: Uncertain significance for Left ventricular noncompaction 8. Last evaluated: 2021-06-04. Review status: criteria provided, single submitter. Criteria: Invitae Variant Classification Sherloc (09022015). Collection method: clinical testing. Allele origin: germline.
Comment: This variant has not been reported in the literature in individuals with PRDM16-related conditions. This sequence change replaces lysine with asparagine at codon 344 of the PRDM16 protein (p.Lys344Asn). The lysine residue is moderately conserved and there is a moderate physicochemical difference between lysine and asparagine. This variant is not present in population databases (ExAC no frequency). Algorithms developed to predict the effect of missense changes on protein structure and function are either unavailable or do not agree on the potential impact of this missense change (SIFT: "Deleterious"; PolyPhen-2: "Possibly Damaging"; Align-GVGD: "Class C0"). Algorithms developed to predict the effect of sequence changes on RNA splicing suggest that this variant may disrupt the consensus splice site, but this prediction has not been confirmed by published transcriptional studies. In summary, the available evidence is currently insufficient to determine the role of this variant in disease. Therefore, it has been classified as a Variant of Uncertain Significance.

NM_022114.4(PRDM16):c.1032G>C (p.Lys344Asn)

Gene: PRDM16 (PR/SET domain 16; plus strand). Cytogenetic location: 1p36.32.
Variant type: single nucleotide variant.
Coding change: c.1032G>C on transcript NM_022114.4 (MANE Select); coding-DNA position 1032, G replaced by C.
Protein change: p.Lys344Asn; replaces lysine 344 with asparagine.
Molecular consequence: missense variant.
Genome position (GRCh38, 1-based): chr1:3,404,886, G>C. VCF-style: chr1-3404886-G-C. GRCh37 (hg19) VCF-style: chr1-3321450-G-C.
Other names: c.1032G>C, p.Lys344Asn (NM_199454.3); short protein forms K344N.
Identifiers: ClinVar variation 1357457 (VCV001357457.8), dbSNP rs2100646305, ClinGen allele CA338005092.